The following is an entry in ClinVar:

ClinVar aggregate classification (germline): Benign/Likely benign. Review status: criteria provided, multiple submitters, no conflicts (2 of 4 stars). 4 submissions from 4 submitters: Benign (1); Likely benign (3). Last evaluated 2026-01-24.

Conditions:
Hyperkalemic periodic paralysis. Also called: Gamstorp disease; Familial hyperkalemic periodic paralysis. Identifiers: Orphanet 682, MedGen C0238357, MONDO:0008224, OMIM 170500, HP:0007215.

Allele frequency attached by ClinVar (database versions not stated): gnomAD 0.00008 and 0.00013; 1000 Genomes Project 0.00020; ESP Exome Variant Server 0.00031; TOPMed 0.00010; 1000 Genomes Project 30x 0.00016.
gnomAD v4.1: 252 of 1,613,784 alleles (0.016%); highest among the groups gnomAD compares: Middle Eastern, 0.31%; 2 homozygotes.

Submissions (4):

Labcorp Genetics (formerly Invitae), Labcorp
Classification: Benign for Hyperkalemic periodic paralysis. Last evaluated: 2026-01-24. Review status: criteria provided, single submitter. Criteria: Invitae Variant Classification Sherloc (09022015). Collection method: clinical testing. Allele origin: germline.

Mayo Clinic Laboratories, Mayo Clinic
Classification: Likely benign. Last evaluated: 2025-03-10. Review status: criteria provided, single submitter. Criteria: ACMG Guidelines, 2015. Collection method: clinical testing. Allele origin: germline. Observed: 2 variant alleles.
Comment: BS1, BP4, BP7

GeneDx
Classification: Likely benign. Last evaluated: 2020-02-24. Review status: criteria provided, single submitter. Criteria: GeneDx Variant Classification Process June 2021. Collection method: clinical testing. Allele origin: germline. Affected: yes.

Breakthrough Genomics
Classification: Likely benign. Review status: criteria provided, single submitter. Criteria: ACMG Guidelines, 2015. Collection method: not provided. Allele origin: germline. Inheritance: Autosomal recessive inheritance. Affected: yes.

NM_000334.4(SCN4A):c.3084C>A (p.Val1028=)

Genes: GH-LCR (growth hormone locus control region; plus strand), SCN4A (sodium voltage-gated channel alpha subunit 4; minus strand). Cytogenetic location: 17q23.3.
Variant type: single nucleotide variant.
Coding change: c.3084C>A on transcript NM_000334.4 (MANE Select); coding-DNA position 3084, C replaced by A.
Protein change: p.Val1028=; no amino-acid change (valine 1028 retained).
Molecular consequence: synonymous variant.
Genome position (GRCh38, 1-based): chr17:63,948,671, G>T on the plus strand (C>A on the coding strand, the complement: SCN4A is on the minus strand). VCF-style: chr17-63948671-G-T. GRCh37 (hg19) VCF-style: chr17-62026031-G-T.
Other names: p.Val1028=.
Identifiers: ClinVar variation 705798 (VCV000705798.15), dbSNP rs377273244, ClinGen allele CA8709396.